The following is an entry in ClinVar:

ClinVar aggregate classification (germline): Uncertain significance (1 of 4 stars; one submission).

Allele frequency attached by ClinVar (database versions not stated): gnomAD exomes 0.00001; TOPMed 0.00001.
gnomAD v4.1: 13 of 1,613,062 alleles (0.00081%); highest among the groups gnomAD compares: Non-Finnish European, 0.0011%; no homozygotes.

Submission:

Labcorp Genetics (formerly Invitae), Labcorp
Classification: Uncertain significance. Last evaluated: 2024-12-12. Review status: criteria provided, single submitter. Criteria: Invitae Variant Classification Sherloc (09022015). Collection method: clinical testing. Allele origin: germline.
Comment: This sequence change replaces alanine, which is neutral and non-polar, with glycine, which is neutral and non-polar, at codon 67 of the SKIV2L protein (p.Ala67Gly). This variant is present in population databases (rs771992252, gnomAD 0.002%). This variant has not been reported in the literature in individuals affected with SKIV2L-related conditions. ClinVar contains an entry for this variant (Variation ID: 1362503). An algorithm developed to predict the effect of missense changes on protein structure and function (PolyPhen-2) suggests that this variant is likely to be tolerated. In summary, the available evidence is currently insufficient to determine the role of this variant in disease. Therefore, it has been classified as a Variant of Uncertain Significance.

NM_006929.5(SKIC2):c.200C>G (p.Ala67Gly)

Gene: SKIC2 (SKI2 subunit of superkiller complex; plus strand). Cytogenetic location: 6p21.33.
Variant type: single nucleotide variant.
Coding change: c.200C>G on transcript NM_006929.5 (MANE Select); coding-DNA position 200, C replaced by G.
Protein change: p.Ala67Gly; replaces alanine 67 with glycine.
Molecular consequence: missense variant.
Genome position (GRCh38, 1-based): chr6:31,960,083, C>G. VCF-style: chr6-31960083-C-G. GRCh37 (hg19) VCF-style: chr6-31927860-C-G.
Other names: short protein forms A67G.
Identifiers: ClinVar variation 1362503 (VCV001362503.7), dbSNP rs771992252, ClinGen allele CA3729078.
Genomic context (GRCh38, chr6:31,960,083, plus strand): 5'-TCCCTCCTTGTGCCCCAGATCTGCAGCAAGAAGCAGAACAGTTGTTTCTGTCATCCCCAG[C>G]CTGGCTGCCTCTGCATGGTGTGGAGCACTCAGCCCGGTGAGGAGTCTGGAGGGGCTTAGA-3'
Protein context (NP_008860.4, residues 57-77): EAEQLFLSSP[Ala67Gly]WLPLHGVEHS